The following is an entry in ClinVar:

NM_001375808.2(LPIN2):c.2651G>A (p.Arg884Gln)

Gene: LPIN2 (lipin 2; minus strand). Cytogenetic location: 18p11.31.
Variant type: single nucleotide variant.
Coding change: c.2651G>A on transcript NM_001375808.2 (MANE Select); coding-DNA position 2651, G replaced by A.
Protein change: p.Arg884Gln; replaces arginine 884 with glutamine.
Molecular consequence: missense variant.
Genome position (GRCh38, 1-based): chr18:2,920,333, C>T on the plus strand (G>A on the coding strand, the complement: LPIN2 is on the minus strand). VCF-style: chr18-2920333-C-T. GRCh37 (hg19) VCF-style: chr18-2920331-C-T.
Other names: c.2651G>A, p.Arg884Gln (NM_001375809.1, NM_014646.2); short protein forms R884Q.
Identifiers: ClinVar variation 1429001 (VCV001429001.6), dbSNP rs781500548, ClinGen allele CA8872645.

ClinVar aggregate classification (germline): Uncertain significance (1 of 4 stars; one submission).

Conditions:
Majeed syndrome (MJDS). Also called: CHRONIC RECURRENT MULTIFOCAL OSTEOMYELITIS 1, WITH CONGENITAL DYSERYTHROPOIETIC ANEMIA, WITH OR WITHOUT NEUTROPHILIC DERMATOSIS; LPIN2-Related Majeed Syndrome. Identifiers: Orphanet 77297, MedGen C1864997, MONDO:0012316, OMIM 609628.

Allele frequency attached by ClinVar (database versions not stated): ExAC 0.00001; gnomAD exomes 0.00001 and 0.00002.
gnomAD v4.1: 15 of 1,614,134 alleles (0.00093%); highest among the groups gnomAD compares: Admixed American, 0.0067%; no homozygotes.

Submission:

Labcorp Genetics (formerly Invitae), Labcorp
Classification: Uncertain significance for Majeed syndrome. Last evaluated: 2021-04-17. Review status: criteria provided, single submitter. Criteria: Invitae Variant Classification Sherloc (09022015). Collection method: clinical testing. Allele origin: germline.
Comment: In summary, the available evidence is currently insufficient to determine the role of this variant in disease. Therefore, it has been classified as a Variant of Uncertain Significance. Algorithms developed to predict the effect of missense changes on protein structure and function are either unavailable or do not agree on the potential impact of this missense change (SIFT: "Tolerated"; PolyPhen-2: "Probably Damaging"; Align-GVGD: "Class C0"). This variant has not been reported in the literature in individuals with LPIN2-related conditions. This variant is present in population databases (rs781500548, ExAC 0.009%). This sequence change replaces arginine with glutamine at codon 884 of the LPIN2 protein (p.Arg884Gln). The arginine residue is highly conserved and there is a small physicochemical difference between arginine and glutamine.